The following is an entry in ClinVar:

NM_000036.3(AMPD1):c.394G>A (p.Asp132Asn)

Gene: AMPD1 (adenosine monophosphate deaminase 1; minus strand). Cytogenetic location: 1p13.2.
Variant type: single nucleotide variant.
Coding change: c.394G>A on transcript NM_000036.3 (MANE Select); coding-DNA position 394, G replaced by A.
Protein change: p.Asp132Asn; replaces aspartic acid 132 with asparagine.
Molecular consequence: missense variant.
Genome position (GRCh38, 1-based): chr1:114,684,352, C>T on the plus strand (G>A on the coding strand, the complement: AMPD1 is on the minus strand). VCF-style: chr1-114684352-C-T. GRCh37 (hg19) VCF-style: chr1-115226973-C-T.
Other names: c.382G>A, p.Asp128Asn (NM_001172626.2); short protein forms D128N, D132N.
Identifiers: ClinVar variation 1367146 (VCV001367146.6), dbSNP rs149160130, ClinGen allele CA1020437.

ClinVar aggregate classification (germline): Uncertain significance (1 of 4 stars; one submission).

Conditions:
Muscle AMP deaminase deficiency (MMDD). Also called: ADENOSINE MONOPHOSPHATE DEAMINASE-1 DEFICIENCY, MYOPATHY DUE TO; AMPD1 DEFICIENCY; Myoadenylate deaminase deficiency, myopathy due to; Adenosine monophosphate deaminase 1 deficiency; AMP deaminase 1 deficiency; Adenosine Monophosphate Deaminase 1. Identifiers: Orphanet 45, MedGen C3714933, MONDO:0014220, OMIM 615511.

Allele frequency attached by ClinVar (database versions not stated): ExAC 0.00003; gnomAD exomes 0.00003 and 0.00007; gnomAD 0.00004; TOPMed 0.00008.
gnomAD v4.1: 50 of 1,613,406 alleles (0.0031%); highest among the groups gnomAD compares: Admixed American, 0.022%; no homozygotes.

Submission:

Labcorp Genetics (formerly Invitae), Labcorp
Classification: Uncertain significance for Muscle AMP deaminase deficiency. Last evaluated: 2023-07-17. Review status: criteria provided, single submitter. Criteria: Invitae Variant Classification Sherloc (09022015). Collection method: clinical testing. Allele origin: germline.
Comment: This sequence change replaces aspartic acid, which is acidic and polar, with asparagine, which is neutral and polar, at codon 165 of the AMPD1 protein (p.Asp165Asn). This variant is present in population databases (rs149160130, gnomAD 0.09%). This variant has not been reported in the literature in individuals affected with AMPD1-related conditions. ClinVar contains an entry for this variant (Variation ID: 1367146). Advanced modeling of protein sequence and biophysical properties (such as structural, functional, and spatial information, amino acid conservation, physicochemical variation, residue mobility, and thermodynamic stability) performed at Invitae indicates that this missense variant is not expected to disrupt AMPD1 protein function. In summary, the available evidence is currently insufficient to determine the role of this variant in disease. Therefore, it has been classified as a Variant of Uncertain Significance.